The following is an entry in ClinVar:

NM_001097589.2(SPRR3):c.243T>C (p.Gly81=)

Gene: SPRR3 (small proline rich protein 3; plus strand). Cytogenetic location: 1q21.3.
Variant type: single nucleotide variant.
Coding change: c.243T>C on transcript NM_001097589.2 (MANE Select); coding-DNA position 243, T replaced by C.
Protein change: p.Gly81=; no amino-acid change (glycine 81 retained).
Molecular consequence: synonymous variant.
Genome position (GRCh38, 1-based): chr1:153,003,263, T>C. VCF-style: chr1-153003263-T-C. GRCh37 (hg19) VCF-style: chr1-152975739-T-C.
Other names: c.243T>C, p.Gly81= (NM_005416.3).
Identifiers: ClinVar variation 4083780 (VCV004083780.8).

ClinVar aggregate classification (germline): Likely benign (1 of 4 stars; one submission).

Submission:

CeGaT Center for Human Genetics Tuebingen
Classification: Likely benign. Last evaluated: 2025-07-01. Review status: criteria provided, single submitter. Criteria: CeGaT Center For Human Genetics Tuebingen Variant Classification Criteria Version 2. Collection method: clinical testing. Allele origin: germline. Affected: yes. Observed: 1 variant allele.
Comment: SPRR3: BP4, BP7